The following is an entry in ClinVar:

NM_032608.7(MYO18B):c.2135G>A (p.Arg712His)

Gene: MYO18B (myosin XVIIIB; plus strand). Cytogenetic location: 22q12.1.
Variant type: single nucleotide variant.
Coding change: c.2135G>A on transcript NM_032608.7 (MANE Select); coding-DNA position 2135, G replaced by A.
Protein change: p.Arg712His; replaces arginine 712 with histidine.
Molecular consequence: missense variant.
Genome position (GRCh38, 1-based): chr22:25,780,122, G>A. VCF-style: chr22-25780122-G-A. GRCh37 (hg19) VCF-style: chr22-26176089-G-A.
Other names: c.2135G>A, p.Arg712His (NM_001318245.2); c.2135G>A (NM_032608.5); short protein forms R712H.
Identifiers: ClinVar variation 1471023 (VCV001471023.10), dbSNP rs772067339, ClinGen allele CA10160062.

ClinVar aggregate classification (germline): Uncertain significance. Review status: criteria provided, multiple submitters, no conflicts (2 of 4 stars). 3 submissions from 3 submitters: Uncertain significance (3). Last evaluated 2025-11-11.

Conditions:
Inborn genetic diseases. Identifiers: MedGen C0950123, MeSH D030342.
Klippel-Feil anomaly-myopathy-facial dysmorphism syndrome. Also called: Klippel-feil syndrome 4, autosomal recessive, with nemaline myopathy and facial dysmorphism; Klippel-Feil syndrome 4, autosomal recessive, with myopathy and facial dysmorphism. Identifiers: Orphanet 447974, MedGen C4225285, MONDO:0014689, OMIM 616549.

Allele frequency attached by ClinVar (database versions not stated): gnomAD 0.00001; gnomAD exomes 0.00004; ExAC 0.00005.
gnomAD v4.1: 33 of 1,603,524 alleles (0.0021%); highest among the groups gnomAD compares: Non-Finnish European, 0.0018%; no homozygotes.

Submissions (3):

Ambry Genetics
Classification: Uncertain significance for Inborn genetic diseases. Last evaluated: 2025-11-11. Review status: criteria provided, single submitter. Criteria: Ambry Variant Classification Scheme 2023. Collection method: clinical testing. Allele origin: germline.

Labcorp Genetics (formerly Invitae), Labcorp
Classification: Uncertain significance. Last evaluated: 2025-09-02. Review status: criteria provided, single submitter. Criteria: Invitae Variant Classification Sherloc (09022015). Collection method: clinical testing. Allele origin: germline.
Comment: This sequence change replaces arginine, which is basic and polar, with histidine, which is basic and polar, at codon 712 of the MYO18B protein (p.Arg712His). The frequency data for this variant in the population databases is considered unreliable, as metrics indicate poor data quality at this position in the gnomAD database. This variant has not been reported in the literature in individuals affected with MYO18B-related conditions. ClinVar contains an entry for this variant (Variation ID: 1471023). An algorithm developed to predict the effect of missense changes on protein structure and function outputs the following: PolyPhen-2: "Benign". The histidine amino acid residue is found in multiple mammalian species, which suggests that this missense change does not adversely affect protein function. In summary, the available evidence is currently insufficient to determine the role of this variant in disease. Therefore, it has been classified as a Variant of Uncertain Significance.

Center for Genomics, Ann and Robert H. Lurie Children's Hospital of Chicago
Classification: Uncertain significance for Klippel-Feil anomaly-myopathy-facial dysmorphism syndrome. Last evaluated: 2021-03-30. Review status: criteria provided, single submitter. Criteria: ACMG Guidelines, 2015. Collection method: clinical testing. Allele origin: germline.
Comment: MYO18B NM_001318245.2 exon 9 p.Arg712His (c.2135G>A): This variant has not been reported in the literature but is present in 0.003% (9/232204) of total alleles in the Genome Aggregation Database. Evolutionary conservation and computational predictive tools suggest that this variant may not impact the protein. In summary, data on this variant is insufficient for disease classification. Therefore, the clinical significance of this variant is uncertain.